The following is an entry in ClinVar:

ClinVar aggregate classification (germline): Uncertain significance. Review status: criteria provided, multiple submitters, no conflicts (2 of 4 stars). 2 submissions from 2 submitters: Uncertain significance (2). Last evaluated 2024-02-07.

Conditions:
Familial cancer of breast. Also called: hereditary breast carcinoma; BREAST CANCER, FAMILIAL; Hereditary breast cancer. Identifiers: Orphanet 227535, MedGen C0346153, MONDO:0016419, OMIM 114480. Disease mechanism: loss of function.
Ataxia-telangiectasia syndrome (AT). Also called: AT, COMPLEMENTATION GROUP C; Ataxia telangiectasia (A-T); Cerebello-oculocutaneous telangiectasia; Immunodeficiency with ataxia telangiectasia; LOUIS-BAR SYNDROME; ATAXIA-TELANGIECTASIA, COMPLEMENTATION GROUP A. Identifiers: Orphanet 100, MedGen C0004135, MONDO:0008840, OMIM 208900.

Submissions (2):

Labcorp Genetics (formerly Invitae), Labcorp
Classification: Uncertain significance for Ataxia-telangiectasia syndrome. Last evaluated: 2024-02-07. Review status: criteria provided, single submitter. Criteria: Invitae Variant Classification Sherloc (09022015). Collection method: clinical testing. Allele origin: germline.
Comment: This sequence change falls in intron 23 of the ATM gene. It does not directly change the encoded amino acid sequence of the ATM protein. This variant is not present in population databases (gnomAD no frequency). This variant has not been reported in the literature in individuals affected with ATM-related conditions. Algorithms developed to predict the effect of sequence changes on RNA splicing suggest that this variant may disrupt the consensus splice site. In summary, the available evidence is currently insufficient to determine the role of this variant in disease. Therefore, it has been classified as a Variant of Uncertain Significance.

Baylor Genetics
Classification: Uncertain significance for Familial cancer of breast. Last evaluated: 2022-11-09. Review status: criteria provided, single submitter. Criteria: ACMG Guidelines, 2015. Collection method: clinical testing. Allele origin: unknown.

NM_000051.4(ATM):c.3402+17T>G

Gene: ATM (ATM serine/threonine kinase; plus strand). Cytogenetic location: 11q22.3.
Variant type: single nucleotide variant.
Coding change: c.3402+17T>G on transcript NM_000051.4 (MANE Select); 17 bases into the intron after coding-DNA position 3402, T replaced by G.
Molecular consequence: intron variant.
Genome position (GRCh38, 1-based): chr11:108,279,625, T>G. VCF-style: chr11-108279625-T-G. GRCh37 (hg19) VCF-style: chr11-108150352-T-G.
Other names: c.3402+17T>G (NM_001351834.2).
Identifiers: ClinVar variation 2679759 (VCV002679759.4), dbSNP rs3092825, ClinGen allele CA2581037021.